The following is an entry in ClinVar:

NM_005530.3(IDH3A):c.886A>G (p.Ile296Val)

Gene: IDH3A (isocitrate dehydrogenase (NAD(+)) 3 catalytic subunit alpha; plus strand). Cytogenetic location: 15q25.1.
Variant type: single nucleotide variant.
Coding change: c.886A>G on transcript NM_005530.3 (MANE Select); coding-DNA position 886, A replaced by G.
Protein change: p.Ile296Val; replaces isoleucine 296 with valine.
Molecular consequence: missense variant.
Genome position (GRCh38, 1-based): chr15:78,166,171, A>G. VCF-style: chr15-78166171-A-G. GRCh37 (hg19) VCF-style: chr15-78458513-A-G.
Other names: short protein forms I296V.
Identifiers: ClinVar variation 1017162 (VCV001017162.8), dbSNP rs2074740062, ClinGen allele CA393546148.

ClinVar aggregate classification (germline): Uncertain significance (1 of 4 stars; one submission).

Submission:

Labcorp Genetics (formerly Invitae), Labcorp
Classification: Uncertain significance. Last evaluated: 2020-06-02. Review status: criteria provided, single submitter. Criteria: Invitae Variant Classification Sherloc (09022015). Collection method: clinical testing. Allele origin: germline.
Comment: This sequence change replaces isoleucine with valine at codon 296 of the IDH3A protein (p.Ile296Val). The isoleucine residue is highly conserved and there is a small physicochemical difference between isoleucine and valine. This variant is not present in population databases (ExAC no frequency). This variant has not been reported in the literature in individuals with IDH3A-related conditions. Algorithms developed to predict the effect of missense changes on protein structure and function (SIFT, PolyPhen-2, Align-GVGD) all suggest that this variant is likely to be tolerated, but these predictions have not been confirmed by published functional studies and their clinical significance is uncertain. In summary, the available evidence is currently insufficient to determine the role of this variant in disease. Therefore, it has been classified as a Variant of Uncertain Significance.